The following is an entry in ClinVar:

ClinVar aggregate classification (germline): Uncertain significance (1 of 4 stars; one submission).

Conditions:
Hereditary cancer-predisposing syndrome. Also called: Hereditary Cancer Syndrome; Neoplastic Syndromes, Hereditary; Tumor predisposition; Hereditary neoplastic syndrome. Identifiers: Orphanet 140162, MedGen C0027672, MeSH D009386, MONDO:0015356.

Submission:

Color Diagnostics, LLC DBA Color Health
Classification: Uncertain significance for Hereditary cancer-predisposing syndrome. Last evaluated: 2023-12-05. Review status: criteria provided, single submitter. Criteria: ACMG Guidelines, 2015. Collection method: clinical testing. Allele origin: germline.
Comment: This missense variant replaces methionine with leucine at codon 949 of the ATM protein. Computational prediction suggests that this variant may not impact protein structure and function (internally defined REVEL score threshold <= 0.5, PMID: 27666373). To our knowledge, functional studies have not been reported for this variant. This variant has not been reported in individuals affected with ATM-related disorders in the literature. This variant has not been identified in the general population by the Genome Aggregation Database (gnomAD). The available evidence is insufficient to determine the role of this variant in disease conclusively. Therefore, this variant is classified as a Variant of Uncertain Significance.

NM_000051.4(ATM):c.2845A>C (p.Met949Leu)

Gene: ATM (ATM serine/threonine kinase; plus strand). Cytogenetic location: 11q22.3.
Variant type: single nucleotide variant.
Coding change: c.2845A>C on transcript NM_000051.4 (MANE Select); coding-DNA position 2845, A replaced by C.
Protein change: p.Met949Leu; replaces methionine 949 with leucine.
Molecular consequence: missense variant.
Genome position (GRCh38, 1-based): chr11:108,271,070, A>C. VCF-style: chr11-108271070-A-C. GRCh37 (hg19) VCF-style: chr11-108141797-A-C.
Other names: c.2845A>C, p.Met949Leu (NM_001351834.2); short protein forms M949L.
Identifiers: ClinVar variation 490497 (VCV000490497.6), dbSNP rs1348704826, ClinGen allele CA382546695.